The following is an entry in ClinVar:

NM_003001.5(SDHC):c.58C>T (p.Pro20Ser)

Gene: SDHC (succinate dehydrogenase complex subunit C; plus strand). Cytogenetic location: 1q23.3.
Variant type: single nucleotide variant.
Coding change: c.58C>T on transcript NM_003001.5 (MANE Select); coding-DNA position 58, C replaced by T.
Protein change: p.Pro20Ser; replaces proline 20 with serine.
Molecular consequence: missense variant. On other transcripts: 5 prime UTR variant (2), non-coding transcript variant (1), intron variant (4).
Genome position (GRCh38, 1-based): chr1:161,323,651, C>T. VCF-style: chr1-161323651-C-T. GRCh37 (hg19) VCF-style: chr1-161293441-C-T.
Other names: c.58C>T, p.Pro20Ser (NM_001035511.3, NM_001035512.3, NM_001278172.3 and 2 more transcripts); c.-54C>T (NM_001407119.1); c.-172C>T (NM_001407120.1); c.21-4745C>T (NM_001407116.1, NM_001407121.1, NM_001407117.1); c.20+9226C>T (NM_001035513.3); short protein forms P20S.
Identifiers: ClinVar variation 2493307 (VCV002493307.5), dbSNP rs757465324, ClinGen allele CA048093.

ClinVar aggregate classification (germline): Uncertain significance. Review status: criteria provided, multiple submitters, no conflicts (2 of 4 stars). 2 submissions from 2 submitters: Uncertain significance (2). Last evaluated 2023-12-22.

Conditions:
Hereditary cancer-predisposing syndrome. Also called: Hereditary Cancer Syndrome; Hereditary neoplastic syndrome; Neoplastic Syndromes, Hereditary; Tumor predisposition. Identifiers: Orphanet 140162, MedGen C0027672, MeSH D009386, MONDO:0015356.
Gastrointestinal stromal tumor. Also called: Gastrointestinal stromal tumor, somatic; Gastrointestinal stroma tumor. Identifiers: Orphanet 44890, MedGen C0238198, MeSH D046152, MONDO:0011719, OMIM 606764, HP:0100723.
Pheochromocytoma/paraganglioma syndrome 3. Also called: GLOMUS TUMORS, FAMILIAL, 3; Paragangliomas 3; SDHC-Related Hereditary Paraganglioma-Pheochromocytoma Syndrome (Paragangliomas 3); SDHC-Related Hereditary Paraganglioma-Pheochromocytoma Syndrome. Identifiers: Orphanet 29072, MedGen C1854336, MONDO:0011544, OMIM 605373.

Allele frequency attached by ClinVar (database versions not stated): gnomAD exomes below 0.00001; ExAC 0.00001.
gnomAD v4.1: 3 of 1,612,646 alleles (0.00019%); highest among the groups gnomAD compares: Non-Finnish European, 0.00025%; no homozygotes.

Submissions (2):

Labcorp Genetics (formerly Invitae), Labcorp
Classification: Uncertain significance for Pheochromocytoma/paraganglioma syndrome 3; Gastrointestinal stromal tumor. Last evaluated: 2023-12-22. Review status: criteria provided, single submitter. Criteria: Invitae Variant Classification Sherloc (09022015). Collection method: clinical testing. Allele origin: germline.
Comment: This sequence change replaces proline, which is neutral and non-polar, with serine, which is neutral and polar, at codon 20 of the SDHC protein (p.Pro20Ser). This variant is present in population databases (rs757465324, gnomAD 0.0009%). This variant has not been reported in the literature in individuals affected with SDHC-related conditions. ClinVar contains an entry for this variant (Variation ID: 2493307). Algorithms developed to predict the effect of missense changes on protein structure and function output the following: SIFT: "Not Available"; PolyPhen-2: "Benign"; Align-GVGD: "Not Available". The serine amino acid residue is found in multiple mammalian species, which suggests that this missense change does not adversely affect protein function. In summary, the available evidence is currently insufficient to determine the role of this variant in disease. Therefore, it has been classified as a Variant of Uncertain Significance.

Ambry Genetics
Classification: Uncertain significance for Hereditary cancer-predisposing syndrome. Last evaluated: 2022-11-26. Review status: criteria provided, single submitter. Criteria: Ambry Variant Classification Scheme 2023. Collection method: clinical testing. Allele origin: germline.
Comment: The p.P20S variant (also known as c.58C>T), located in coding exon 2 of the SDHC gene, results from a C to T substitution at nucleotide position 58. The proline at codon 20 is replaced by serine, an amino acid with similar properties. This amino acid position is conserved. In addition, the in silico prediction for this alteration is inconclusive. Since supporting evidence is limited at this time, the clinical significance of this alteration remains unclear.